The following is an entry in ClinVar:

NM_000051.4(ATM):c.5918+7G>A

Genes: ATM (ATM serine/threonine kinase; plus strand), C11orf65 (chromosome 11 open reading frame 65; minus strand). Cytogenetic location: 11q22.3.
Variant type: single nucleotide variant.
Coding change: c.5918+7G>A on transcript NM_000051.4 (MANE Select); 7 bases into the intron after coding-DNA position 5918, G replaced by A.
Molecular consequence: intron variant.
Genome position (GRCh38, 1-based): chr11:108,310,322, G>A. VCF-style: chr11-108310322-G-A. GRCh37 (hg19) VCF-style: chr11-108181049-G-A.
Other names: c.5918+7G>A (NM_001351834.2); c.641-1251C>T (NM_001330368.2); c.*39-1251C>T (NM_001351110.2).
Identifiers: ClinVar variation 490629 (VCV000490629.13), dbSNP rs1423323603, ClinGen allele CA601723864.

ClinVar aggregate classification (germline): Likely benign. Review status: criteria provided, multiple submitters, no conflicts (2 of 4 stars). 3 submissions from 3 submitters: Likely benign (3). Last evaluated 2025-11-03.

Conditions:
Hereditary cancer-predisposing syndrome. Also called: Neoplastic Syndromes, Hereditary; Hereditary Cancer Syndrome; Tumor predisposition; Hereditary neoplastic syndrome. Identifiers: Orphanet 140162, MedGen C0027672, MeSH D009386, MONDO:0015356.
Familial cancer of breast. Also called: Hereditary breast cancer; BREAST CANCER, FAMILIAL; hereditary breast carcinoma. Identifiers: Orphanet 227535, MedGen C0346153, MONDO:0016419, OMIM 114480. Disease mechanism: loss of function.
Ataxia-telangiectasia syndrome (AT). Also called: LOUIS-BAR SYNDROME; Cerebello-oculocutaneous telangiectasia; Immunodeficiency with ataxia telangiectasia; Ataxia-telangiectasia, complementation group D; AT, COMPLEMENTATION GROUP C; Ataxia-telangiectasia, complementation group E. Identifiers: Orphanet 100, MedGen C0004135, MONDO:0008840, OMIM 208900.

Allele frequency attached by ClinVar (database versions not stated): gnomAD exomes below 0.00001; gnomAD 0.00001.
gnomAD v4.1: 2 of 1,611,242 alleles (0.00012%); highest among the groups gnomAD compares: African/African-American, 0.0013%; no homozygotes.

Submissions (3):

Labcorp Genetics (formerly Invitae), Labcorp
Classification: Likely benign for Ataxia-telangiectasia syndrome. Last evaluated: 2025-11-03. Review status: criteria provided, single submitter. Criteria: Invitae Variant Classification Sherloc (09022015). Collection method: clinical testing. Allele origin: germline.

Myriad Genetics, Inc.
Classification: Likely benign for Familial cancer of breast. Last evaluated: 2024-05-28. Review status: criteria provided, single submitter. Criteria: Myriad Autosomal Dominant, Autosomal Recessive and X-Linked Classification Criteria (2023). Collection method: clinical testing. Allele origin: unknown.
Comment: This variant is considered likely benign. This variant is intronic and is not expected to impact mRNA splicing.

Color Diagnostics, LLC DBA Color Health
Classification: Likely benign for Hereditary cancer-predisposing syndrome. Last evaluated: 2017-10-23. Review status: criteria provided, single submitter. Criteria: ACMG Guidelines, 2015. Collection method: clinical testing. Allele origin: germline.